The following is an entry in ClinVar:

ClinVar aggregate classification (germline): Uncertain significance. Review status: criteria provided, multiple submitters, no conflicts (2 of 4 stars). 2 submissions from 2 submitters: Uncertain significance (2). Last evaluated 2022-06-20.

Conditions:
RYR1-related disorder. Also called: RYR1-related disorders; RYR1-related condition. Identifiers: MedGen CN239331.

Allele frequency attached by ClinVar (database versions not stated): gnomAD exomes below 0.00001.
gnomAD v4.1: 1 of 1,610,022 alleles (0.000062%); highest among the groups gnomAD compares: Non-Finnish European, 0.000085%; no homozygotes.

Submissions (2):

Labcorp Genetics (formerly Invitae), Labcorp
Classification: Uncertain significance for RYR1-related disorder. Last evaluated: 2022-06-20. Review status: criteria provided, single submitter. Criteria: Invitae Variant Classification Sherloc (09022015). Collection method: clinical testing. Allele origin: germline.
Comment: This sequence change replaces arginine, which is basic and polar, with cysteine, which is neutral and slightly polar, at codon 4201 of the RYR1 protein (p.Arg4201Cys). This variant is not present in population databases (gnomAD no frequency). This variant has not been reported in the literature in individuals affected with RYR1-related conditions. ClinVar contains an entry for this variant (Variation ID: 590408). Algorithms developed to predict the effect of missense changes on protein structure and function are either unavailable or do not agree on the potential impact of this missense change (SIFT: "Deleterious"; PolyPhen-2: "Benign"; Align-GVGD: "Class C0"). In summary, the available evidence is currently insufficient to determine the role of this variant in disease. Therefore, it has been classified as a Variant of Uncertain Significance.

PreventionGenetics, part of Exact Sciences
Classification: Uncertain significance. Last evaluated: 2016-08-18. Review status: criteria provided, single submitter. Criteria: ACMG Guidelines, 2015. Collection method: clinical testing. Allele origin: germline.

NM_000540.3(RYR1):c.12601C>T (p.Arg4201Cys)

Gene: RYR1 (ryanodine receptor 1; plus strand). Cytogenetic location: 19q13.2.
Variant type: single nucleotide variant.
Coding change: c.12601C>T on transcript NM_000540.3 (MANE Select); coding-DNA position 12601, C replaced by T.
Protein change: p.Arg4201Cys; replaces arginine 4201 with cysteine.
Molecular consequence: missense variant.
Genome position (GRCh38, 1-based): chr19:38,561,431, C>T. VCF-style: chr19-38561431-C-T. GRCh37 (hg19) VCF-style: chr19-39052071-C-T.
Other names: c.12586C>T, p.Arg4196Cys (NM_001042723.2); short protein forms R4201C, R4196C.
Identifiers: ClinVar variation 590408 (VCV000590408.8), dbSNP rs1568576431, ClinGen allele CA405669868.